The following is an entry in ClinVar:

NM_006767.4(LZTR1):c.2043C>T (p.His681=)

Gene: LZTR1 (leucine zipper like post translational regulator 1; plus strand). Cytogenetic location: 22q11.21.
Variant type: single nucleotide variant.
Coding change: c.2043C>T on transcript NM_006767.4 (MANE Select); coding-DNA position 2043, C replaced by T.
Protein change: p.His681=; no amino-acid change (histidine 681 retained).
Molecular consequence: synonymous variant.
Genome position (GRCh38, 1-based): chr22:20,995,846, C>T. VCF-style: chr22-20995846-C-T. GRCh37 (hg19) VCF-style: chr22-21350135-C-T.
Identifiers: ClinVar variation 918117 (VCV000918117.2), dbSNP rs1414979503, ClinGen allele CA513699385.
Genomic context (GRCh38, chr22:20,995,846, plus strand): 5'-AGCGGGCGCGGAATTCTGTGACATCACTCTGTTGCTTGACGGGCACCCACGGCCAGCCCA[C>T]AAGGCTATCCTGGCCGCCCGCTCCAGGTGGGTGGGGGCTGGACAGGAGGGGAGGGTGGGC-3'
Protein context (NP_006758.2, residues 671-691): LLLDGHPRPA[His681=]KAILAARSSY

ClinVar aggregate classification (germline): Likely benign. Review status: criteria provided, multiple submitters, no conflicts (2 of 4 stars). 2 submissions from 2 submitters: Likely benign (2). Last evaluated 2024-06-30.

Conditions:
Cardiovascular phenotype. Identifiers: MedGen CN230736.
Hereditary cancer-predisposing syndrome. Also called: Tumor predisposition; Hereditary neoplastic syndrome; Hereditary Cancer Syndrome; Neoplastic Syndromes, Hereditary. Identifiers: Orphanet 140162, MedGen C0027672, MeSH D009386, MONDO:0015356.

Allele frequency attached by ClinVar (database versions not stated): TOPMed 0.00001.

Submissions (2):

Ambry Genetics
Classification: Likely benign for Cardiovascular phenotype; Hereditary cancer-predisposing syndrome. Last evaluated: 2024-06-30. Review status: criteria provided, single submitter. Criteria: Ambry Variant Classification Scheme 2023. Collection method: clinical testing. Allele origin: germline.

Women's Health and Genetics/Laboratory Corporation of America, LabCorp
Classification: Likely benign. Last evaluated: 2020-03-30. Review status: criteria provided, single submitter. Criteria: LabCorp Variant Classification Summary - May 2015. Collection method: clinical testing. Allele origin: germline.
Comment: Variant summary: LZTR1 c.2043C>T alters a non-conserved nucleotide resulting in a synonymous change. 4/4 computational tools predict no significant impact on normal splicing. However, these predictions have yet to be confirmed by functional studies. The variant was absent in 250452 control chromosomes (gnomAD). The available data on variant occurrences in the general population are insufficient to allow any conclusion about variant significance. To our knowledge, no occurrence of c.2043C>T in individuals affected with Noonan Syndrome and Related Conditions and no experimental evidence demonstrating its impact on protein function have been reported. No clinical diagnostic laboratories have submitted clinical-significance assessments for this variant to ClinVar after 2014. Based on the evidence outlined above, the variant was classified as likely benign.